The following is an entry in ClinVar:

ClinVar aggregate classification (germline): Uncertain significance. Review status: criteria provided, multiple submitters, no conflicts (2 of 4 stars). 4 submissions from 4 submitters: Uncertain significance (3). 1 of the submissions does not count toward it. Last evaluated 2026-01-28.

Conditions:
Marfan syndrome (MFS). Also called: Marfan syndrome, classic; FBN1-Related Marfan Syndrome; Marfan syndrome type 1; Marfan's syndrome; MARFAN SYNDROME, TYPE I. Identifiers: Orphanet 284963, Orphanet 558, MedGen C0024796, MONDO:0007947, OMIM 154700.
Familial thoracic aortic aneurysm and aortic dissection (TAAD). Also called: Thoracic aortic aneurysms and dissections. Identifiers: Orphanet 91387, MedGen C4707243, MONDO:0019625.
FBN1-related disorder. Also called: FBN1-related disorders.

Allele frequency attached by ClinVar (database versions not stated): TOPMed below 0.00001; gnomAD 0.00001; gnomAD exomes below 0.00001.
gnomAD v4.1: 8 of 1,613,420 alleles (0.0005%); highest among the groups gnomAD compares: African/African-American, 0.0013%; no homozygotes.

Submissions (4):

Labcorp Genetics (formerly Invitae), Labcorp
Classification: Uncertain significance for Marfan syndrome; Familial thoracic aortic aneurysm and aortic dissection. Last evaluated: 2026-01-28. Review status: criteria provided, single submitter. Criteria: Invitae Variant Classification Sherloc (09022015). Collection method: clinical testing. Allele origin: germline.
Comment: This sequence change replaces valine, which is neutral and non-polar, with methionine, which is neutral and non-polar, at codon 1580 of the FBN1 protein (p.Val1580Met). The frequency data for this variant in the population databases is considered unreliable, as metrics indicate poor data quality at this position in the gnomAD database. This variant has not been reported in the literature in individuals affected with FBN1-related conditions. ClinVar contains an entry for this variant (Variation ID: 200055). Invitae Evidence Modeling of protein sequence and biophysical properties (such as structural, functional, and spatial information, amino acid conservation, physicochemical variation, residue mobility, and thermodynamic stability) has been performed for this missense variant. However, the output from this modeling did not meet the statistical confidence thresholds required to predict the impact of this variant on FBN1 protein function. In summary, the available evidence is currently insufficient to determine the role of this variant in disease. Therefore, it has been classified as a Variant of Uncertain Significance.

Color Diagnostics, LLC DBA Color Health
Classification: Uncertain significance for Familial thoracic aortic aneurysm and aortic dissection. Last evaluated: 2023-05-09. Review status: criteria provided, single submitter. Criteria: ACMG Guidelines, 2015. Collection method: clinical testing. Allele origin: germline.
Comment: This missense variant replaces valine with methionine at codon 1580 of the FBN1 protein. Computational prediction is inconclusive regarding the impact of this variant on protein structure and function (internally defined REVEL score threshold 0.5 < inconclusive < 0.7, PMID: 27666373). To our knowledge, functional studies have not been reported for this variant. This variant has not been reported in individuals affected with FBN1-related disorders in the literature. This variant has been identified in 2/282618 chromosomes in the general population by the Genome Aggregation Database (gnomAD). The available evidence is insufficient to determine the role of this variant in disease conclusively. Therefore, this variant is classified as a Variant of Uncertain Significance.

GeneDx
Classification: Uncertain significance. Last evaluated: 2019-07-01. Review status: criteria provided, single submitter. Criteria: GeneDx Variant Classification Process June 2021. Collection method: clinical testing. Allele origin: germline. Affected: yes.
Comment: Has not been previously published as pathogenic or benign to our knowledge; Not observed at a significant frequency in large population cohorts (Lek et al., 2016); In silico analysis, which includes protein predictors and evolutionary conservation, supports that this variant does not alter protein structure/function; Does not affect a cysteine residue within a calcium-binding EGF-like domain of the FBN1 gene; cysteine substitutions in the calcium-binding EGF-like domains represent the majority of pathogenic missense changes associated with FBN1-related disorders (Collod-Beroud et al., 2003)

PreventionGenetics, part of Exact Sciences
Classification: Uncertain significance for FBN1-related condition. Last evaluated: 2024-02-13. Review status: no assertion criteria provided. Collection method: clinical testing. Allele origin: germline. Not counted in ClinVar's aggregate classification.
Comment: The FBN1 c.4738G>A variant is predicted to result in the amino acid substitution p.Val1580Met. To our knowledge, this variant has not been reported in the literature. This variant is reported in 0.0033% of alleles in individuals of South Asian descent in gnomAD. At this time, the clinical significance of this variant is uncertain due to the absence of conclusive functional and genetic evidence.

NM_000138.5(FBN1):c.4738G>A (p.Val1580Met)

Gene: FBN1 (fibrillin 1; minus strand). Cytogenetic location: 15q21.1.
Variant type: single nucleotide variant.
Coding change: c.4738G>A on transcript NM_000138.5 (MANE Select); coding-DNA position 4738, G replaced by A.
Protein change: p.Val1580Met; replaces valine 1580 with methionine.
Molecular consequence: missense variant.
Genome position (GRCh38, 1-based): chr15:48,467,947, C>T on the plus strand (G>A on the coding strand, the complement: FBN1 is on the minus strand). VCF-style: chr15-48467947-C-T. GRCh37 (hg19) VCF-style: chr15-48760144-C-T.
Other names: p.V1580M:GTG>ATG; short protein forms V1580M.
Identifiers: ClinVar variation 200055 (VCV000200055.10), dbSNP rs794728230, ClinGen allele CA015392.